The following is an entry in ClinVar:

ClinVar aggregate classification (germline): Uncertain significance (1 of 4 stars; one submission).

Conditions:
Glycogen storage disease due to muscle and heart glycogen synthase deficiency. Also called: GSD 0b; MUSCLE GLYCOGEN SYNTHASE DEFICIENCY. Identifiers: Orphanet 137625, MedGen C1969054, MONDO:0012693, OMIM 611556.

Allele frequency attached by ClinVar (database versions not stated): gnomAD exomes below 0.00001.
gnomAD v4.1: 6 of 1,577,058 alleles (0.00038%); highest among the groups gnomAD compares: Non-Finnish European, 0.00052%; no homozygotes.

Submission:

Labcorp Genetics (formerly Invitae), Labcorp
Classification: Uncertain significance for Glycogen storage disease due to muscle and heart glycogen synthase deficiency. Last evaluated: 2022-02-04. Review status: criteria provided, single submitter. Criteria: Invitae Variant Classification Sherloc (09022015). Collection method: clinical testing. Allele origin: germline.
Comment: This variant has not been reported in the literature in individuals affected with GYS1-related conditions. This variant is not present in population databases (gnomAD no frequency). This sequence change replaces isoleucine, which is neutral and non-polar, with threonine, which is neutral and polar, at codon 276 of the GYS1 protein (p.Ile276Thr). Algorithms developed to predict the effect of missense changes on protein structure and function are either unavailable or do not agree on the potential impact of this missense change (SIFT: "Deleterious"; PolyPhen-2: "Benign"; Align-GVGD: "Class C0"). In summary, the available evidence is currently insufficient to determine the role of this variant in disease. Therefore, it has been classified as a Variant of Uncertain Significance.

NM_002103.5(GYS1):c.827T>C (p.Ile276Thr)

Gene: GYS1 (glycogen synthase 1; minus strand). Cytogenetic location: 19q13.33.
Variant type: single nucleotide variant.
Coding change: c.827T>C on transcript NM_002103.5 (MANE Select); coding-DNA position 827, T replaced by C.
Protein change: p.Ile276Thr; replaces isoleucine 276 with threonine.
Molecular consequence: missense variant. On other transcripts: non-coding transcript variant (1).
Genome position (GRCh38, 1-based): chr19:48,982,834, A>G on the plus strand (T>C on the coding strand, the complement: GYS1 is on the minus strand). VCF-style: chr19-48982834-A-G. GRCh37 (hg19) VCF-style: chr19-49486091-A-G.
Other names: c.635T>C, p.Ile212Thr (NM_001161587.2); short protein forms I212T, I276T.
Identifiers: ClinVar variation 1502391 (VCV001502391.8), dbSNP rs2038788050, ClinGen allele CA406763782.